The following is an entry in ClinVar:

ClinVar aggregate classification (germline): Conflicting classifications of pathogenicity. Review status: criteria provided, conflicting classifications (1 of 4 stars). 4 submissions from 4 submitters: Uncertain significance (1); Likely benign (3). Last evaluated 2026-01-20.

Conditions:
Inborn genetic diseases. Identifiers: MedGen C0950123, MeSH D030342.
CTSF-related disorder. Also called: CTSF-related condition.
Neuronal ceroid lipofuscinosis 13 (CLN13). Also called: CEROID LIPOFUSCINOSIS, NEURONAL, 13 (KUFS TYPE); CLN13 Disease. Identifiers: Orphanet 352709, Orphanet 79262, MedGen C3715049, MONDO:0014147, OMIM 615362.

Allele frequency attached by ClinVar (database versions not stated): TOPMed 0.00093; 1000 Genomes Project 0.00120; ESP Exome Variant Server 0.00123; 1000 Genomes Project 30x 0.00141.
gnomAD v4.1: 245 of 1,613,942 alleles (0.015%); highest among the groups gnomAD compares: African/African-American, 0.31%; no homozygotes.

Submissions (4):

Labcorp Genetics (formerly Invitae), Labcorp
Classification: Likely benign for Neuronal ceroid lipofuscinosis 13. Last evaluated: 2026-01-20. Review status: criteria provided, single submitter. Criteria: Invitae Variant Classification Sherloc (09022015). Collection method: clinical testing. Allele origin: germline.

PreventionGenetics, part of Exact Sciences
Classification: Likely benign for CTSF-related condition. Last evaluated: 2025-11-05. Review status: criteria provided, single submitter. Criteria: ACMG Guidelines, 2015. Collection method: clinical testing. Allele origin: germline.
Comment: This variant is classified as likely benign based on ACMG/AMP sequence variant interpretation guidelines (Richards et al. 2015 PMID: 25741868, with internal and published modifications).

Ambry Genetics
Classification: Likely benign for Inborn genetic diseases. Last evaluated: 2025-05-16. Review status: criteria provided, single submitter. Criteria: Ambry Variant Classification Scheme 2023. Collection method: clinical testing. Allele origin: germline.

GeneDx
Classification: Uncertain significance. Last evaluated: 2025-04-30. Review status: criteria provided, single submitter. Criteria: GeneDx Variant Classification Process June 2021. Collection method: clinical testing. Allele origin: germline. Affected: yes.
Comment: In silico analysis supports that this missense variant has a deleterious effect on protein structure/function; Has not been previously published as pathogenic or benign to our knowledge

NM_003793.4(CTSF):c.614G>T (p.Arg205Leu)

Gene: CTSF (cathepsin F; minus strand). Cytogenetic location: 11q13.2.
Variant type: single nucleotide variant.
Coding change: c.614G>T on transcript NM_003793.4 (MANE Select); coding-DNA position 614, G replaced by T.
Protein change: p.Arg205Leu; replaces arginine 205 with leucine.
Molecular consequence: missense variant.
Genome position (GRCh38, 1-based): chr11:66,566,398, C>A on the plus strand (G>T on the coding strand, the complement: CTSF is on the minus strand). VCF-style: chr11-66566398-C-A. GRCh37 (hg19) VCF-style: chr11-66333869-C-A.
Other names: short protein forms R205L.
Identifiers: ClinVar variation 710694 (VCV000710694.17), dbSNP rs142782021, ClinGen allele CA6125499.
Genomic context (GRCh38, chr11:66,566,398, plus strand): 5'-TCCAGGGCCTGGATCTTCTGTGCTCGCACCATGTTATTGACAAAGACGGACAGGCGCCAC[C>A]GGGCTTCTGAGGACCAAGGAGCAGAAGAGGAGGGGTTCGACCCCAGGCAGATAAAAGGAA-3'
Protein context (NP_003784.2, residues 195-215): NRTYESKEEA[Arg205Leu]WRLSVFVNNM